The following is an entry in ClinVar:

NM_181882.3(PRX):c.163A>G (p.Arg55Gly)

Gene: PRX (periaxin; minus strand). Cytogenetic location: 19q13.2.
Variant type: single nucleotide variant.
Coding change: c.163A>G on transcript NM_181882.3 (MANE Select); coding-DNA position 163, A replaced by G.
Protein change: p.Arg55Gly; replaces arginine 55 with glycine.
Molecular consequence: missense variant.
Genome position (GRCh38, 1-based): chr19:40,403,727, T>C on the plus strand (A>G on the coding strand, the complement: PRX is on the minus strand). VCF-style: chr19-40403727-T-C. GRCh37 (hg19) VCF-style: chr19-40909634-T-C.
Other names: c.448A>G, p.Arg150Gly (NM_001411127.1); c.163A>G, p.Arg55Gly (NM_020956.2); short protein forms R55G, R150G.
Identifiers: ClinVar variation 1776996 (VCV001776996.2), dbSNP rs763366666, ClinGen allele CA9444565.

ClinVar aggregate classification (germline): Uncertain significance (1 of 4 stars; one submission).

Conditions:
Inborn genetic diseases. Identifiers: MedGen C0950123, MeSH D030342.

gnomAD v4.1: 4 of 1,563,378 alleles (0.00026%); highest among the groups gnomAD compares: Middle Eastern, 0.02%; no homozygotes.

Submission:

Ambry Genetics
Classification: Uncertain significance for Inborn genetic diseases. Last evaluated: 2020-02-03. Review status: criteria provided, single submitter. Criteria: Ambry Variant Classification Scheme 2023. Collection method: clinical testing. Allele origin: germline.
Comment: The p.R55G variant (also known as c.163A>G), located in coding exon 2 of the PRX gene, results from an A to G substitution at nucleotide position 163. The arginine at codon 55 is replaced by glycine, an amino acid with dissimilar properties. This amino acid position is not well conserved in available vertebrate species. In addition, this alteration is predicted to be tolerated by in silico analysis. Since supporting evidence is limited at this time, the clinical significance of this alteration remains unclear.